The following is an entry in ClinVar:

NM_006269.2(RP1):c.3340G>C (p.Gly1114Arg)

Gene: RP1 (RP1 axonemal microtubule associated; plus strand). Cytogenetic location: 8q12.1.
Variant type: single nucleotide variant.
Coding change: c.3340G>C on transcript NM_006269.2 (MANE Select); coding-DNA position 3340, G replaced by C.
Protein change: p.Gly1114Arg; replaces glycine 1114 with arginine.
Molecular consequence: missense variant. On other transcripts: intron variant (1).
Genome position (GRCh38, 1-based): chr8:54,627,222, G>C. VCF-style: chr8-54627222-G-C. GRCh37 (hg19) VCF-style: chr8-55539782-G-C.
Other names: c.787+4934G>C (NM_001375654.1); short protein forms G1114R.
Identifiers: ClinVar variation 935038 (VCV000935038.13), dbSNP rs1245809381, ClinGen allele CA370996153.
Genomic context (GRCh38, chr8:54,627,222, plus strand): 5'-TCAGTTCCTGGTATTCACAAGACTCAGAATGGAGTTGTTCAAATGCCAGGTTCACTTGCA[G>C]GTGTTCCCTTTCATTCTGCAATATGTAATTCATCCACTAATCTCCTTCTAGCTTGGCTCT-3'
Protein context (NP_006260.1, residues 1104-1124): GVVQMPGSLA[Gly1114Arg]VPFHSAICNS

ClinVar aggregate classification (germline): Uncertain significance. Review status: criteria provided, multiple submitters, no conflicts (2 of 4 stars). 3 submissions from 3 submitters: Uncertain significance (3). Last evaluated 2025-06-19.

Conditions:
Inborn genetic diseases. Identifiers: MedGen C0950123, MeSH D030342.
Retinitis pigmentosa 1 (RP1). Identifiers: Orphanet 791, MedGen C0220701, MONDO:0008377, OMIM 180100.

Allele frequency attached by ClinVar (database versions not stated): TOPMed below 0.00001; gnomAD exomes 0.00001.
gnomAD v4.1: 12 of 1,614,062 alleles (0.00074%); highest among the groups gnomAD compares: South Asian, 0.0088%; no homozygotes.

Submissions (3):

Ambry Genetics
Classification: Uncertain significance for Inborn genetic diseases. Last evaluated: 2025-06-19. Review status: criteria provided, single submitter. Criteria: Ambry Variant Classification Scheme 2023. Collection method: clinical testing. Allele origin: germline.

Labcorp Genetics (formerly Invitae), Labcorp
Classification: Uncertain significance. Last evaluated: 2023-08-04. Review status: criteria provided, single submitter. Criteria: Invitae Variant Classification Sherloc (09022015). Collection method: clinical testing. Allele origin: germline.
Comment: This variant has not been reported in the literature in individuals affected with RP1-related conditions. This sequence change replaces glycine, which is neutral and non-polar, with arginine, which is basic and polar, at codon 1114 of the RP1 protein (p.Gly1114Arg). This variant is present in population databases (no rsID available, gnomAD 0.003%). ClinVar contains an entry for this variant (Variation ID: 935038). An algorithm developed to predict the effect of missense changes on protein structure and function (PolyPhen-2) suggests that this variant is likely to be tolerated. In summary, the available evidence is currently insufficient to determine the role of this variant in disease. Therefore, it has been classified as a Variant of Uncertain Significance.

Revvity Omics, Revvity
Classification: Uncertain significance for Retinitis pigmentosa 1. Last evaluated: 2022-08-25. Review status: criteria provided, single submitter. Criteria: ACMG Guidelines, 2015. Collection method: clinical testing. Allele origin: germline.